The following is an entry in ClinVar:

NM_024741.3(ZNF408):c.670C>G (p.Pro224Ala)

Gene: ZNF408 (zinc finger protein 408; plus strand). Cytogenetic location: 11p11.2.
Variant type: single nucleotide variant.
Coding change: c.670C>G on transcript NM_024741.3 (MANE Select); coding-DNA position 670, C replaced by G.
Protein change: p.Pro224Ala; replaces proline 224 with alanine.
Molecular consequence: missense variant.
Genome position (GRCh38, 1-based): chr11:46,704,370, C>G. VCF-style: chr11-46704370-C-G. GRCh37 (hg19) VCF-style: chr11-46725920-C-G.
Other names: c.646C>G, p.Pro216Ala (NM_001184751.2); short protein forms P224A, P216A.
Identifiers: ClinVar variation 1469669 (VCV001469669.7), dbSNP rs769599754, ClinGen allele CA380253917.

ClinVar aggregate classification (germline): Uncertain significance. Review status: criteria provided, multiple submitters, no conflicts (2 of 4 stars). 2 submissions from 2 submitters: Uncertain significance (2). Last evaluated 2026-01-27.

Submissions (2):

Labcorp Genetics (formerly Invitae), Labcorp
Classification: Uncertain significance. Last evaluated: 2026-01-27. Review status: criteria provided, single submitter. Criteria: Invitae Variant Classification Sherloc (09022015). Collection method: clinical testing. Allele origin: germline.
Comment: This sequence change replaces proline, which is neutral and non-polar, with alanine, which is neutral and non-polar, at codon 224 of the ZNF408 protein (p.Pro224Ala). This variant is not present in population databases (gnomAD no frequency). This variant has not been reported in the literature in individuals affected with ZNF408-related conditions. ClinVar contains an entry for this variant (Variation ID: 1469669). An algorithm developed to predict the effect of missense changes on protein structure and function (PolyPhen-2) suggests that this variant is likely to be tolerated. In summary, the available evidence is currently insufficient to determine the role of this variant in disease. Therefore, it has been classified as a Variant of Uncertain Significance.

Blueprint Genetics
Classification: Uncertain significance. Last evaluated: 2024-08-09. Review status: criteria provided, single submitter. Criteria: ACMG Guidelines, 2015. Collection method: clinical testing. Allele origin: germline.